The following is an entry in ClinVar:

NM_002691.4(POLD1):c.2494G>A (p.Val832Met)

Gene: POLD1 (DNA polymerase delta 1, catalytic subunit; plus strand). Cytogenetic location: 19q13.33.
Variant type: single nucleotide variant.
Coding change: c.2494G>A on transcript NM_002691.4 (MANE Select); coding-DNA position 2494, G replaced by A.
Protein change: p.Val832Met; replaces valine 832 with methionine.
Molecular consequence: missense variant. On other transcripts: non-coding transcript variant (1).
Genome position (GRCh38, 1-based): chr19:50,414,920, G>A. VCF-style: chr19-50414920-G-A. GRCh37 (hg19) VCF-style: chr19-50918177-G-A.
Other names: c.2494G>A, p.Val832Met (NM_001256849.1); c.2572G>A, p.Val858Met (NM_001308632.1); c.2494G>A (NM_002691.3, NM_002691.2); short protein forms V858M, V832M.
Identifiers: ClinVar variation 1912966 (VCV001912966.7), dbSNP rs2122466509, ClinGen allele CA406985115.
Genomic context (GRCh38, chr19:50,414,920, plus strand): 5'-CTGCTCTTCTCCTCCCGGCCCGACGCCCACGACCGCATGGACTGCAAGGGCCTGGAGGCC[G>A]TGCGCAGGGACAACTGCCCCCTCGTGGCCAACCTGGTCACTGCCTCACTGCGCCGCCTGC-3'
Protein context (NP_002682.2, residues 822-842): DRMDCKGLEA[Val832Met]RRDNCPLVAN

ClinVar aggregate classification (germline): Uncertain significance. Review status: criteria provided, multiple submitters, no conflicts (2 of 4 stars). 3 submissions from 3 submitters: Uncertain significance (3). Last evaluated 2025-06-15.

Conditions:
POLD1-related polyposis and colorectal cancer syndrome (CRCS10). Also called: Colorectal cancer 10; COLORECTAL CANCER, SUSCEPTIBILITY TO, ON CHROMOSOME 19q; Colorectal cancer, susceptibility to, 10. Identifiers: Orphanet 220460, MedGen C2675481, MONDO:0012953, OMIM 612591.
Hereditary cancer-predisposing syndrome. Also called: Tumor predisposition; Hereditary Cancer Syndrome; Hereditary neoplastic syndrome; Neoplastic Syndromes, Hereditary. Identifiers: Orphanet 140162, MedGen C0027672, MeSH D009386, MONDO:0015356.

Submissions (3):

Ambry Genetics
Classification: Uncertain significance for Hereditary cancer-predisposing syndrome. Last evaluated: 2025-06-15. Review status: criteria provided, single submitter. Criteria: Ambry Variant Classification Scheme 2023. Collection method: clinical testing. Allele origin: germline.
Comment: The p.V832M variant (also known as c.2494G>A), located in coding exon 19 of the POLD1 gene, results from a G to A substitution at nucleotide position 2494. The valine at codon 832 is replaced by methionine, an amino acid with highly similar properties. This amino acid position is conserved. In addition, the in silico prediction for this alteration is inconclusive. Based on the available evidence, the clinical significance of this variant remains unclear.

Labcorp Genetics (formerly Invitae), Labcorp
Classification: Uncertain significance for POLD1-related polyposis and colorectal cancer syndrome. Last evaluated: 2024-10-29. Review status: criteria provided, single submitter. Criteria: Invitae Variant Classification Sherloc (09022015). Collection method: clinical testing. Allele origin: germline.
Comment: This sequence change replaces valine, which is neutral and non-polar, with methionine, which is neutral and non-polar, at codon 832 of the POLD1 protein (p.Val832Met). This variant is not present in population databases (gnomAD no frequency). This variant has not been reported in the literature in individuals affected with POLD1-related conditions. ClinVar contains an entry for this variant (Variation ID: 1912966). Invitae Evidence Modeling of protein sequence and biophysical properties (such as structural, functional, and spatial information, amino acid conservation, physicochemical variation, residue mobility, and thermodynamic stability) indicates that this missense variant is expected to disrupt POLD1 protein function with a positive predictive value of 80%. In summary, the available evidence is currently insufficient to determine the role of this variant in disease. Therefore, it has been classified as a Variant of Uncertain Significance.

GeneDx
Classification: Uncertain significance. Last evaluated: 2024-02-20. Review status: criteria provided, single submitter. Criteria: GeneDx Variant Classification Process June 2021. Collection method: clinical testing. Allele origin: germline. Affected: yes.
Comment: Not observed at significant frequency in large population cohorts (gnomAD); In silico analysis supports that this missense variant has a deleterious effect on protein structure/function; Has not been previously published as pathogenic or benign to our knowledge; This variant is associated with the following publications: (PMID: 20951805)